The following is an entry in ClinVar:

NM_001378457.1(DMXL2):c.7175T>C (p.Leu2392Pro)

Gene: DMXL2 (Dmx like 2; minus strand). Cytogenetic location: 15q21.2.
Variant type: single nucleotide variant.
Coding change: c.7175T>C on transcript NM_001378457.1 (MANE Select); coding-DNA position 7175, T replaced by C.
Protein change: p.Leu2392Pro; replaces leucine 2392 with proline.
Molecular consequence: missense variant. On other transcripts: non-coding transcript variant (2).
Genome position (GRCh38, 1-based): chr15:51,474,382, A>G on the plus strand (T>C on the coding strand, the complement: DMXL2 is on the minus strand). VCF-style: chr15-51474382-A-G. GRCh37 (hg19) VCF-style: chr15-51766579-A-G.
Other names: c.6932T>C, p.Leu2311Pro (NM_001378464.1); c.7172T>C, p.Leu2391Pro (NM_015263.5, NM_001378458.1, NM_001378462.1); c.7175T>C, p.Leu2392Pro (NM_001174116.3, NM_001378459.1, NM_001378461.1 and 1 more transcripts); c.5264T>C, p.Leu1755Pro (NM_001174117.3); c.5153T>C, p.Leu1718Pro (NM_001378460.1); short protein forms L1755P, L2392P, L1718P, L2311P, L2391P.
Identifiers: ClinVar variation 1449102 (VCV001449102.6), dbSNP rs760703966, ClinGen allele CA270593607.

ClinVar aggregate classification (germline): Uncertain significance (1 of 4 stars; one submission).

Allele frequency attached by ClinVar (database versions not stated): gnomAD exomes below 0.00001.

Submission:

Labcorp Genetics (formerly Invitae), Labcorp
Classification: Uncertain significance. Last evaluated: 2024-11-18. Review status: criteria provided, single submitter. Criteria: Invitae Variant Classification Sherloc (09022015). Collection method: clinical testing. Allele origin: germline.
Comment: This sequence change replaces leucine, which is neutral and non-polar, with proline, which is neutral and non-polar, at codon 2392 of the DMXL2 protein (p.Leu2392Pro). This variant is not present in population databases (gnomAD no frequency). This variant has not been reported in the literature in individuals affected with DMXL2-related conditions. ClinVar contains an entry for this variant (Variation ID: 1449102). An algorithm developed to predict the effect of missense changes on protein structure and function (PolyPhen-2) suggests that this variant is likely to be disruptive. In summary, the available evidence is currently insufficient to determine the role of this variant in disease. Therefore, it has been classified as a Variant of Uncertain Significance.